The following is an entry in ClinVar:

ClinVar aggregate classification (germline): Uncertain significance. Review status: criteria provided, multiple submitters, no conflicts (2 of 4 stars). 3 submissions from 3 submitters: Uncertain significance (3). Last evaluated 2024-10-21.

Conditions:
Dilated cardiomyopathy 1DD (CMD1DD). Identifiers: Orphanet 154, MedGen C2750995, MONDO:0013168, OMIM 613172.
Cardiovascular phenotype. Identifiers: MedGen CN230736.

Allele frequency attached by ClinVar (database versions not stated): TOPMed below 0.00001; gnomAD 0.00001.
gnomAD v4.1: 15 of 1,551,520 alleles (0.00097%); highest among the groups gnomAD compares: African/African-American, 0.0014%; no homozygotes.

Submissions (3):

Labcorp Genetics (formerly Invitae), Labcorp
Classification: Uncertain significance for Dilated cardiomyopathy 1DD. Last evaluated: 2024-10-21. Review status: criteria provided, single submitter. Criteria: Invitae Variant Classification Sherloc (09022015). Collection method: clinical testing. Allele origin: germline.
Comment: This sequence change replaces arginine, which is basic and polar, with serine, which is neutral and polar, at codon 731 of the RBM20 protein (p.Arg731Ser). This variant is not present in population databases (gnomAD no frequency). This variant has not been reported in the literature in individuals affected with RBM20-related conditions. ClinVar contains an entry for this variant (Variation ID: 654248). Invitae Evidence Modeling of protein sequence and biophysical properties (such as structural, functional, and spatial information, amino acid conservation, physicochemical variation, residue mobility, and thermodynamic stability) indicates that this missense variant is not expected to disrupt RBM20 protein function with a negative predictive value of 95%. In summary, the available evidence is currently insufficient to determine the role of this variant in disease. Therefore, it has been classified as a Variant of Uncertain Significance.

Ambry Genetics
Classification: Uncertain significance for Cardiovascular phenotype. Last evaluated: 2024-04-14. Review status: criteria provided, single submitter. Criteria: Ambry Variant Classification Scheme 2023. Collection method: clinical testing. Allele origin: germline.
Comment: The p.R731S variant (also known as c.2193G>C), located in coding exon 9 of the RBM20 gene, results from a G to C substitution at nucleotide position 2193. The arginine at codon 731 is replaced by serine, an amino acid with dissimilar properties. This amino acid position is conserved. In addition, the in silico prediction for this alteration is inconclusive. Based on the available evidence, the clinical significance of this variant remains unclear.

Blueprint Genetics
Classification: Uncertain significance. Last evaluated: 2019-11-11. Review status: criteria provided, single submitter. Criteria: ACMG Guidelines, 2015. Collection method: clinical testing. Allele origin: germline.

NM_001134363.3(RBM20):c.2193G>C (p.Arg731Ser)

Gene: RBM20 (RNA binding motif protein 20; plus strand). Cytogenetic location: 10q25.2.
Variant type: single nucleotide variant.
Coding change: c.2193G>C on transcript NM_001134363.3 (MANE Select); coding-DNA position 2193, G replaced by C.
Protein change: p.Arg731Ser; replaces arginine 731 with serine.
Molecular consequence: missense variant.
Genome position (GRCh38, 1-based): chr10:110,812,590, G>C. VCF-style: chr10-110812590-G-C. GRCh37 (hg19) VCF-style: chr10-112572348-G-C.
Other names: c.2193G>C (NM_001134363.1); short protein forms R731S.
Identifiers: ClinVar variation 654248 (VCV000654248.10), dbSNP rs1475940613, ClinGen allele CA378372528.
Genomic context (GRCh38, chr10:110,812,590, plus strand): 5'-CAAACACCACCCCCGGCAACTGGACAAGGCTGAGTTGGACGAGCGACCAGAAGGAGGGAG[G>C]CCCCACCGGGAGAAGTACCCGAGATCTGGGTCTCCCAACCTGCCCCACTCTGTGTCCAGC-3'
Protein context (NP_001127835.2, residues 721-741): AELDERPEGG[Arg731Ser]PHREKYPRSG